The following is an entry in ClinVar:

NM_004168.4(SDHA):c.397C>G (p.Leu133Val)

Gene: SDHA (succinate dehydrogenase complex flavoprotein subunit A; plus strand). Cytogenetic location: 5p15.33.
Variant type: single nucleotide variant.
Coding change: c.397C>G on transcript NM_004168.4 (MANE Select); coding-DNA position 397, C replaced by G.
Protein change: p.Leu133Val; replaces leucine 133 with valine.
Molecular consequence: missense variant. On other transcripts: intron variant (1).
Genome position (GRCh38, 1-based): chr5:225,503, C>G. VCF-style: chr5-225503-C-G. GRCh37 (hg19) VCF-style: chr5-225618-C-G.
Other names: c.397C>G, p.Leu133Val (NM_001330758.2); c.313-380C>G (NM_001294332.2); short protein forms L133V.
Identifiers: ClinVar variation 1692760 (VCV001692760.6), dbSNP rs2126547261, ClinGen allele CA359009480.
Genomic context (GRCh38, chr5:225,503, plus strand): 5'-AACATGGAGGAGGACAACTGGAGGTGGCATTTCTACGACACCGTGAAGGGCTCCGACTGG[C>G]TGGGGGACCAGGATGCCATCCACTACATGACGGAGCAGGCCCCCGCCGCCGTGGTCGAGG-3'
Protein context (NP_004159.2, residues 123-143): FYDTVKGSDW[Leu133Val]GDQDAIHYMT

ClinVar aggregate classification (germline): Uncertain significance. Review status: criteria provided, multiple submitters, no conflicts (2 of 4 stars). 2 submissions from 2 submitters: Uncertain significance (2). Last evaluated 2023-05-25.

Conditions:
Mitochondrial complex II deficiency, nuclear type 1. Also called: SUCCINATE CoQ REDUCTASE DEFICIENCY. Identifiers: Orphanet 3208, MedGen C5700310, MONDO:0100294, OMIM 252011.
Pheochromocytoma/paraganglioma syndrome 5. Also called: Paragangliomas 5; SDHA-Related Hereditary Paraganglioma-Pheochromocytoma Syndrome. Identifiers: Orphanet 29072, MedGen C3279992, MONDO:0013602, OMIM 614165.
Hereditary cancer-predisposing syndrome. Also called: Hereditary Cancer Syndrome; Hereditary neoplastic syndrome; Neoplastic Syndromes, Hereditary; Tumor predisposition. Identifiers: Orphanet 140162, MedGen C0027672, MeSH D009386, MONDO:0015356.

Submissions (2):

Labcorp Genetics (formerly Invitae), Labcorp
Classification: Uncertain significance for Pheochromocytoma/paraganglioma syndrome 5; Mitochondrial complex II deficiency, nuclear type 1. Last evaluated: 2023-05-25. Review status: criteria provided, single submitter. Criteria: Invitae Variant Classification Sherloc (09022015). Collection method: clinical testing. Allele origin: germline.
Comment: In summary, the available evidence is currently insufficient to determine the role of this variant in disease. Therefore, it has been classified as a Variant of Uncertain Significance. Advanced modeling of protein sequence and biophysical properties (such as structural, functional, and spatial information, amino acid conservation, physicochemical variation, residue mobility, and thermodynamic stability) has been performed at Invitae for this missense variant, however the output from this modeling did not meet the statistical confidence thresholds required to predict the impact of this variant on SDHA protein function. ClinVar contains an entry for this variant (Variation ID: 1692760). This variant has not been reported in the literature in individuals affected with SDHA-related conditions. This variant is not present in population databases (gnomAD no frequency). This sequence change replaces leucine, which is neutral and non-polar, with valine, which is neutral and non-polar, at codon 133 of the SDHA protein (p.Leu133Val).

Sema4
Classification: Uncertain significance for Hereditary cancer-predisposing syndrome. Last evaluated: 2021-07-20. Review status: criteria provided, single submitter. Criteria: Sema4 Curation Guidelines. Collection method: curation. Allele origin: germline.
Comment: The SDHA c.397C>G (p.L133V) variant has not been reported in the literature to our knowledge. It was not observed in the large and broad cohorts of the Genome Aggregation Database (PMID: 32461654). The variant has not been reported in ClinVar. Functional studies have not been performed and in silico predictions of the variant's effect on protein function are inconclusive. The evidence is insufficient to meet ACMG/AMP criteria for classifying the variant as benign or pathogenic. Thus, the clinical significance of this variant is currently uncertain.